The following is an entry in ClinVar:

NM_000903.3(NQO1):c.58T>C (p.Tyr20His)

Gene: NQO1 (NAD(P)H quinone dehydrogenase 1; minus strand). Cytogenetic location: 16q22.1.
Variant type: single nucleotide variant.
Coding change: c.58T>C on transcript NM_000903.3 (MANE Select); coding-DNA position 58, T replaced by C.
Protein change: p.Tyr20His; replaces tyrosine 20 with histidine.
Molecular consequence: missense variant.
Genome position (GRCh38, 1-based): chr16:69,718,484, A>G on the plus strand (T>C on the coding strand, the complement: NQO1 is on the minus strand). VCF-style: chr16-69718484-A-G. GRCh37 (hg19) VCF-style: chr16-69752387-A-G.
Other names: c.58T>C, p.Tyr20His (NM_001025433.2, NM_001025434.2, NM_001286137.2); short protein forms Y20H.
Identifiers: ClinVar variation 1750401 (VCV001750401.2), dbSNP rs372951639, ClinGen allele CA396491935.

ClinVar aggregate classification (germline): Uncertain significance (1 of 4 stars; one submission).

gnomAD v4.1: 2 of 1,614,152 alleles (0.00012%); highest among the groups gnomAD compares: Non-Finnish European, 0.00017%; no homozygotes.

Submission:

Ambry Genetics
Classification: Uncertain significance. Last evaluated: 2021-09-23. Review status: criteria provided, single submitter. Criteria: Ambry Variant Classification Scheme 2023. Collection method: clinical testing. Allele origin: germline.
Comment: The p.Y20H variant (also known as c.58T>C), located in coding exon 2 of the NQO1 gene, results from a T to C substitution at nucleotide position 58. The tyrosine at codon 20 is replaced by histidine, an amino acid with similar properties. This amino acid position is conserved. In addition, this alteration is predicted to be tolerated by in silico analysis. Since supporting evidence is limited at this time, the clinical significance of this alteration remains unclear.